The following is an entry in ClinVar:

ClinVar aggregate classification (germline): Uncertain significance. Review status: criteria provided, multiple submitters, no conflicts (2 of 4 stars). 3 submissions from 3 submitters: Uncertain significance (2). 1 of the submissions does not count toward it. Last evaluated 2025-11-18.

Conditions:
RASopathy. Also called: Noonan spectrum disorder; rasopathies. Identifiers: Orphanet 536391, MedGen C5555857, MONDO:0021060.
Noonan syndrome (NS). Also called: Noonan's syndrome. Identifiers: Orphanet 648, MedGen C0028326, MeSH D009634, MONDO:0018997. Disease mechanism: gain of function.

Submissions (3):

GeneDx
Classification: Uncertain significance. Last evaluated: 2025-11-18. Review status: criteria provided, single submitter. Criteria: GeneDx Variant Classification Process June 2021. Collection method: clinical testing. Allele origin: germline. Affected: yes.
Comment: Not observed at significant frequency in large population cohorts (gnomAD); In silico analysis supports that this missense variant has a deleterious effect on protein structure/function; Missense variants in this gene are a common cause of disease and they are underrepresented in the general population; Has not been previously published as pathogenic or benign to our knowledge; This variant is associated with the following publications: (PMID: 29493581)

Labcorp Genetics (formerly Invitae), Labcorp
Classification: Uncertain significance for RASopathy. Last evaluated: 2025-05-11. Review status: criteria provided, single submitter. Criteria: Invitae Variant Classification Sherloc (09022015). Collection method: clinical testing. Allele origin: germline.
Comment: This sequence change replaces leucine, which is neutral and non-polar, with phenylalanine, which is neutral and non-polar, at codon 149 of the RAF1 protein (p.Leu149Phe). This variant is not present in population databases (gnomAD no frequency). This variant has not been reported in the literature in individuals affected with RAF1-related conditions. ClinVar contains an entry for this variant (Variation ID: 561729). Invitae Evidence Modeling incorporating data from in vitro experimental studies (internal data) indicates that this missense variant is expected to disrupt RAF1 function with a positive predictive value of 95%. In summary, the available evidence is currently insufficient to determine the role of this variant in disease. Therefore, it has been classified as a Variant of Uncertain Significance.

Service de Génétique Moléculaire, Hôpital Robert Debré
Classification: Uncertain significance for Noonan syndrome. Review status: no assertion criteria provided. Collection method: clinical testing. Allele origin: unknown. Affected: yes. Not counted in ClinVar's aggregate classification.

NM_002880.4(RAF1):c.445C>T (p.Leu149Phe)

Gene: RAF1 (Raf-1 proto-oncogene, serine/threonine kinase; minus strand). Cytogenetic location: 3p25.2.
Variant type: single nucleotide variant.
Coding change: c.445C>T on transcript NM_002880.4 (MANE Select); coding-DNA position 445, C replaced by T.
Protein change: p.Leu149Phe; replaces leucine 149 with phenylalanine.
Molecular consequence: missense variant. On other transcripts: non-coding transcript variant (3).
Genome position (GRCh38, 1-based): chr3:12,608,902, G>A on the plus strand (C>T on the coding strand, the complement: RAF1 is on the minus strand). VCF-style: chr3-12608902-G-A. GRCh37 (hg19) VCF-style: chr3-12650401-G-A.
Other names: c.445C>T, p.Leu149Phe (NM_001354689.3, NM_001354690.3, NM_001354693.3); c.202C>T, p.Leu68Phe (NM_001354691.3, NM_001354692.3, NM_001354694.3 and 1 more transcripts); short protein forms L149F, L68F.
Identifiers: ClinVar variation 561729 (VCV000561729.15), dbSNP rs1559433480, ClinGen allele CA351517635.